The following is an entry in ClinVar:

ClinVar aggregate classification (germline): Uncertain significance. Review status: criteria provided, multiple submitters, no conflicts (2 of 4 stars). 2 submissions from 2 submitters: Uncertain significance (2). Last evaluated 2025-09-28.

Conditions:
Ornithine aminotransferase deficiency (GACR). Also called: HYPERORNITHINEMIA WITH GYRATE ATROPHY OF CHOROID AND RETINA; OAT DEFICIENCY; OKT DEFICIENCY; Ornithine ketoacid aminotransferase deficiency; Gyrate atrophy; Gyrate atrophy of choroid and retina. Identifiers: Orphanet 414, MedGen C0018425, MONDO:0009796, OMIM 258870.
Inborn genetic diseases. Identifiers: MedGen C0950123, MeSH D030342.

Allele frequency attached by ClinVar (database versions not stated): TOPMed 0.00002; gnomAD 0.00003; gnomAD exomes 0.00001.
gnomAD v4.1: 7 of 1,612,954 alleles (0.00043%); highest among the groups gnomAD compares: Admixed American, 0.012%; no homozygotes.

Submissions (2):

Ambry Genetics
Classification: Uncertain significance for Inborn genetic diseases. Last evaluated: 2025-09-28. Review status: criteria provided, single submitter. Criteria: Ambry Variant Classification Scheme 2023. Collection method: clinical testing. Allele origin: germline.

Labcorp Genetics (formerly Invitae), Labcorp
Classification: Uncertain significance for Ornithine aminotransferase deficiency. Last evaluated: 2021-12-20. Review status: criteria provided, single submitter. Criteria: Invitae Variant Classification Sherloc (09022015). Collection method: clinical testing. Allele origin: germline.
Comment: This sequence change replaces glycine, which is neutral and non-polar, with alanine, which is neutral and non-polar, at codon 329 of the OAT protein (p.Gly329Ala). This variant is present in population databases (no rsID available, gnomAD 0.009%). This variant has not been reported in the literature in individuals affected with OAT-related conditions. Algorithms developed to predict the effect of missense changes on protein structure and function output the following: SIFT: "Tolerated"; PolyPhen-2: "Benign"; Align-GVGD: "Class C0". The alanine amino acid residue is found in multiple mammalian species, which suggests that this missense change does not adversely affect protein function. In summary, the available evidence is currently insufficient to determine the role of this variant in disease. Therefore, it has been classified as a Variant of Uncertain Significance.

NM_000274.4(OAT):c.986G>C (p.Gly329Ala)

Gene: OAT (ornithine aminotransferase; minus strand). Cytogenetic location: 10q26.13.
Variant type: single nucleotide variant.
Coding change: c.986G>C on transcript NM_000274.4 (MANE Select); coding-DNA position 986, G replaced by C.
Protein change: p.Gly329Ala; replaces glycine 329 with alanine.
Molecular consequence: missense variant.
Genome position (GRCh38, 1-based): chr10:124,401,754, C>G on the plus strand (G>C on the coding strand, the complement: OAT is on the minus strand). VCF-style: chr10-124401754-C-G. GRCh37 (hg19) VCF-style: chr10-126090323-C-G.
Other names: c.572G>C, p.Gly191Ala (NM_001171814.2); c.986G>C, p.Gly329Ala (NM_001322965.2, NM_001322966.2, NM_001322967.2 and 3 more transcripts); c.665G>C, p.Gly222Ala (NM_001322971.2); c.386G>C, p.Gly129Ala (NM_001322974.2); short protein forms G129A, G222A, G191A, G329A.
Identifiers: ClinVar variation 2200898 (VCV002200898.2), dbSNP rs1390915985, ClinGen allele CA378633936.
Genomic context (GRCh38, chr10:124,401,754, plus strand): 5'-AATAGACACTGTGTGGCTGTATCAGTCTTTACCTCAAGGGCTGCGATGGCCACTCGGCAG[C>G]CTAGTGGATTGCCACCGTATGTGGACCCATGCTCCCCTGGCTTAATGGTCAGCATGATGT-3'
Protein context (NP_000265.1, residues 319-339): HGSTYGGNPL[Gly329Ala]CRVAIAALEV